The following is an entry in ClinVar:

NM_004793.4(LONP1):c.1891T>G (p.Ser631Ala)

Gene: LONP1 (lon peptidase 1, mitochondrial; minus strand). Cytogenetic location: 19p13.3.
Variant type: single nucleotide variant.
Coding change: c.1891T>G on transcript NM_004793.4 (MANE Select); coding-DNA position 1891, T replaced by G.
Protein change: p.Ser631Ala; replaces serine 631 with alanine.
Molecular consequence: missense variant. On other transcripts: non-coding transcript variant (1).
Genome position (GRCh38, 1-based): chr19:5,696,254, A>C on the plus strand (T>G on the coding strand, the complement: LONP1 is on the minus strand). VCF-style: chr19-5696254-A-C. GRCh37 (hg19) VCF-style: chr19-5696265-A-C.
Other names: c.1699T>G, p.Ser567Ala (NM_001276479.2); c.1303T>G, p.Ser435Ala (NM_001276480.1); short protein forms S435A, S631A, S567A.
Identifiers: ClinVar variation 3646277 (VCV003646277.2).

ClinVar aggregate classification (germline): Uncertain significance (1 of 4 stars; one submission).

gnomAD v4.1: 3 of 1,613,260 alleles (0.00019%); highest among the groups gnomAD compares: Non-Finnish European, 0.00025%; no homozygotes.

Submission:

Labcorp Genetics (formerly Invitae), Labcorp
Classification: Uncertain significance. Last evaluated: 2024-03-16. Review status: criteria provided, single submitter. Criteria: Invitae Variant Classification Sherloc (09022015). Collection method: clinical testing. Allele origin: germline.
Comment: This sequence change replaces serine, which is neutral and polar, with alanine, which is neutral and non-polar, at codon 631 of the LONP1 protein (p.Ser631Ala). This variant is not present in population databases (gnomAD no frequency). This variant has not been reported in the literature in individuals affected with LONP1-related conditions. Advanced modeling of protein sequence and biophysical properties (such as structural, functional, and spatial information, amino acid conservation, physicochemical variation, residue mobility, and thermodynamic stability) has been performed at Invitae for this missense variant, however the output from this modeling did not meet the statistical confidence thresholds required to predict the impact of this variant on LONP1 protein function. In summary, the available evidence is currently insufficient to determine the role of this variant in disease. Therefore, it has been classified as a Variant of Uncertain Significance.